The following is an entry in ClinVar:

ClinVar aggregate classification (germline): Uncertain significance. Review status: criteria provided, multiple submitters, no conflicts (2 of 4 stars). 2 submissions from 2 submitters: Uncertain significance (2). Last evaluated 2025-03-31.

Conditions:
Inborn genetic diseases. Identifiers: MedGen C0950123, MeSH D030342.
Aicardi-Goutieres syndrome 2. Identifiers: Orphanet 51, MedGen C3489724, MONDO:0012429, OMIM 610181.

Allele frequency attached by ClinVar (database versions not stated): ExAC 0.00003; gnomAD exomes 0.00003 and 0.00006; TOPMed 0.00005; gnomAD 0.00006.
gnomAD v4.1: 94 of 1,597,110 alleles (0.0059%); highest among the groups gnomAD compares: Non-Finnish European, 0.0078%; no homozygotes.

Submissions (2):

Labcorp Genetics (formerly Invitae), Labcorp
Classification: Uncertain significance for Aicardi-Goutieres syndrome 2. Last evaluated: 2025-03-31. Review status: criteria provided, single submitter. Criteria: Invitae Variant Classification Sherloc (09022015). Collection method: clinical testing. Allele origin: germline.
Comment: This sequence change replaces glycine, which is neutral and non-polar, with arginine, which is basic and polar, at codon 302 of the RNASEH2B protein (p.Gly302Arg). This variant is present in population databases (rs749003546, gnomAD 0.008%). This variant has not been reported in the literature in individuals affected with RNASEH2B-related conditions. ClinVar contains an entry for this variant (Variation ID: 1003969). Invitae Evidence Modeling of protein sequence and biophysical properties (such as structural, functional, and spatial information, amino acid conservation, physicochemical variation, residue mobility, and thermodynamic stability) has been performed for this missense variant. However, the output from this modeling did not meet the statistical confidence thresholds required to predict the impact of this variant on RNASEH2B protein function. In summary, the available evidence is currently insufficient to determine the role of this variant in disease. Therefore, it has been classified as a Variant of Uncertain Significance.

Ambry Genetics
Classification: Uncertain significance for Inborn genetic diseases. Last evaluated: 2024-12-10. Review status: criteria provided, single submitter. Criteria: Ambry Variant Classification Scheme 2023. Collection method: clinical testing. Allele origin: germline.

NM_024570.4(RNASEH2B):c.904G>A (p.Gly302Arg)

Gene: RNASEH2B (ribonuclease H2 subunit B; plus strand). Cytogenetic location: 13q14.3.
Variant type: single nucleotide variant.
Coding change: c.904G>A on transcript NM_024570.4 (MANE Select); coding-DNA position 904, G replaced by A.
Protein change: p.Gly302Arg; replaces glycine 302 with arginine.
Molecular consequence: missense variant. On other transcripts: intron variant (1).
Genome position (GRCh38, 1-based): chr13:50,956,439, G>A. VCF-style: chr13-50956439-G-A. GRCh37 (hg19) VCF-style: chr13-51530575-G-A.
Other names: c.904G>A (NM_024570.3); c.741+6934G>A (NM_001142279.2); short protein forms G302R.
Identifiers: ClinVar variation 1003969 (VCV001003969.6), dbSNP rs749003546, ClinGen allele CA6985748.